The following is an entry in ClinVar:

ClinVar aggregate classification (germline): Uncertain significance (1 of 4 stars; one submission).

Conditions:
Neuropathy, hereditary sensory and autonomic, type 2A (HSAN2A). Also called: ACROOSTEOLYSIS, GIACCAI TYPE; ACROOSTEOLYSIS, NEUROGENIC; MORVAN DISEASE; NEUROPATHY, CONGENITAL SENSORY; NEUROPATHY, HEREDITARY SENSORY RADICULAR, AUTOSOMAL RECESSIVE; NEUROPATHY, HEREDITARY SENSORY, TYPE IIA. Identifiers: Orphanet 970, MedGen C2752089, MONDO:0024309, OMIM 201300.
Generalized epilepsy with febrile seizures plus, type 7 (GEFSP7). Also called: GEFS+, TYPE 7. Identifiers: Orphanet 36387, MedGen C2751778, MONDO:0013470, OMIM 613863.

Allele frequency attached by ClinVar (database versions not stated): gnomAD exomes 0.00003 and 0.00005; ExAC 0.00010.
gnomAD v4.1: 26 of 1,613,224 alleles (0.0016%); highest among the groups gnomAD compares: Non-Finnish European, 0.00051%; 1 homozygote.

Submission:

Labcorp Genetics (formerly Invitae), Labcorp
Classification: Uncertain significance for Neuropathy, hereditary sensory and autonomic, type 2A; Generalized epilepsy with febrile seizures plus, type 7. Last evaluated: 2017-10-03. Review status: criteria provided, single submitter. Criteria: Invitae Variant Classification Sherloc (09022015). Collection method: clinical testing. Allele origin: germline.
Comment: This sequence change replaces proline with alanine at codon 672 of the SCN9A protein (p.Pro672Ala). The proline residue is highly conserved and there is a small physicochemical difference between proline and alanine. This variant is present in population databases (rs200805909, ExAC 0.02%). This variant has not been reported in the literature in individuals with SCN9A-related disease. Algorithms developed to predict the effect of missense changes on protein structure and function (SIFT, PolyPhen-2, Align-GVGD) all suggest that this variant is likely to be tolerated, but these predictions have not been confirmed by published functional studies and their clinical significance is uncertain. In summary, the available evidence is currently insufficient to determine the role of this variant in disease. Therefore, it has been classified as a Variant of Uncertain Significance.

NM_001365536.1(SCN9A):c.2047C>G (p.Pro683Ala)

Genes: SCN1A-AS1 (SCN1A and SCN9A antisense RNA 1; plus strand), SCN9A (sodium voltage-gated channel alpha subunit 9; minus strand). Cytogenetic location: 2q24.3.
Variant type: single nucleotide variant.
Coding change: c.2047C>G on transcript NM_001365536.1 (MANE Select); coding-DNA position 2047, C replaced by G.
Protein change: p.Pro683Ala; replaces proline 683 with alanine.
Molecular consequence: missense variant.
Genome position (GRCh38, 1-based): chr2:166,281,736, G>C on the plus strand (C>G on the coding strand, the complement: SCN9A is on the minus strand). VCF-style: chr2-166281736-G-C. GRCh37 (hg19) VCF-style: chr2-167138246-G-C.
Other names: c.2014C>G, p.Pro672Ala (NM_002977.4); short protein forms P672A, P683A.
Identifiers: ClinVar variation 538454 (VCV000538454.1), dbSNP rs200805909, ClinGen allele CA1944352.